The following is an entry in ClinVar:

NM_003128.3(SPTBN1):c.4678G>C (p.Ala1560Pro)

Gene: SPTBN1 (spectrin beta, non-erythrocytic 1; plus strand). Cytogenetic location: 2p16.2.
Variant type: single nucleotide variant.
Coding change: c.4678G>C on transcript NM_003128.3 (MANE Select); coding-DNA position 4678, G replaced by C.
Protein change: p.Ala1560Pro; replaces alanine 1560 with proline.
Molecular consequence: missense variant.
Genome position (GRCh38, 1-based): chr2:54,646,287, G>C. VCF-style: chr2-54646287-G-C. GRCh37 (hg19) VCF-style: chr2-54873424-G-C.
Other names: c.4639G>C, p.Ala1547Pro (NM_178313.3); short protein forms A1547P, A1560P.
Identifiers: ClinVar variation 4886929 (VCV004886929.1).
Genomic context (GRCh38, chr2:54,646,287, plus strand): 5'-CGCATTGACGACATCTTTGAGAGGAGCCAAAACATCGTCACTGACAGCAGCAGCCTCAGC[G>C]CTGAGGCCATCAGACAGAGGCTTGCCGACCTGAAGCAGCTGTGGGGTCTCCTCATTGAGG-3'
Protein context (NP_003119.2, residues 1550-1570): NIVTDSSSLS[Ala1560Pro]EAIRQRLADL

ClinVar aggregate classification (germline): Uncertain significance (1 of 4 stars; one submission).

Conditions:
Developmental delay, impaired speech, and behavioral abnormalities. Identifiers: MedGen C5561957, MONDO:0859178, OMIM 619475.

gnomAD v4.1: 46 of 1,614,206 alleles (0.0028%); highest among the groups gnomAD compares: South Asian, 0.038%; 1 homozygote.

Submission:

Genetics laboratory, Institute of Kidney Diseases & Research Centre Dr. H.L. Trivedi Institute Of Transplantation Sciences
Classification: Uncertain significance for Developmental delay, impaired speech, and behavioral abnormalities. Last evaluated: 2026-02-18. Review status: criteria provided, single submitter. Criteria: ACMG Guidelines, 2015. Collection method: clinical testing. Allele origin: germline. Inheritance: Autosomal dominant inheritance. Affected: yes. Observed: 1 variant allele, 1 heterozygote.
Comment: A missense variant, NM_003128.3:c.4678G>C (p.Ala1560Pro), was identified in the SPTBN1 gene. The variant results in substitution of alanine by proline at codon 1560. The variant is absent or extremely rare in population databases (PM2). However, there is insufficient additional evidence, including functional studies, segregation data, or well-established clinical evidence, to determine the pathogenicity of this variant. Therefore, according to the ACMG/AMP guidelines, the variant is classified as a Variant of Uncertain Significance (VUS).